The following is an entry in ClinVar:

NM_001367561.1(DOCK7):c.106A>T (p.Asn36Tyr)

Gene: DOCK7 (dedicator of cytokinesis 7; minus strand). Cytogenetic location: 1p31.3.
Variant type: single nucleotide variant.
Coding change: c.106A>T on transcript NM_001367561.1 (MANE Select); coding-DNA position 106, A replaced by T.
Protein change: p.Asn36Tyr; replaces asparagine 36 with tyrosine.
Molecular consequence: missense variant.
Genome position (GRCh38, 1-based): chr1:62,663,063, T>A on the plus strand (A>T on the coding strand, the complement: DOCK7 is on the minus strand). VCF-style: chr1-62663063-T-A. GRCh37 (hg19) VCF-style: chr1-63128734-T-A.
Other names: c.106A>T, p.Asn36Tyr (NM_001271999.2, NM_001272000.2, NM_001272001.2 and 3 more transcripts); short protein forms N36Y.
Identifiers: ClinVar variation 864706 (VCV000864706.7), dbSNP rs1229014552, ClinGen allele CA340707982.

ClinVar aggregate classification (germline): Uncertain significance (1 of 4 stars; one submission).

Conditions:
Developmental and epileptic encephalopathy, 23 (DEE23). Also called: Epileptic encephalopathy, early infantile, 23. Identifiers: Orphanet 411986, MedGen C4014492, MONDO:0014371, OMIM 615859.

Allele frequency attached by ClinVar (database versions not stated): gnomAD exomes below 0.00001 and 0.00001; gnomAD 0.00001.
gnomAD v4.1: 13 of 1,613,870 alleles (0.00081%); highest among the groups gnomAD compares: African/African-American, 0.0013%; no homozygotes.

Submission:

Labcorp Genetics (formerly Invitae), Labcorp
Classification: Uncertain significance for Developmental and epileptic encephalopathy, 23. Last evaluated: 2022-08-19. Review status: criteria provided, single submitter. Criteria: Invitae Variant Classification Sherloc (09022015). Collection method: clinical testing. Allele origin: germline.
Comment: This sequence change replaces asparagine, which is neutral and polar, with tyrosine, which is neutral and polar, at codon 36 of the DOCK7 protein (p.Asn36Tyr). This variant is present in population databases (no rsID available, gnomAD 0.007%). This variant has not been reported in the literature in individuals affected with DOCK7-related conditions. ClinVar contains an entry for this variant (Variation ID: 864706). Algorithms developed to predict the effect of missense changes on protein structure and function (SIFT, PolyPhen-2, Align-GVGD) all suggest that this variant is likely to be tolerated. In summary, the available evidence is currently insufficient to determine the role of this variant in disease. Therefore, it has been classified as a Variant of Uncertain Significance.